The following is an entry in ClinVar:

ClinVar aggregate classification (germline): Benign/Likely benign. Review status: criteria provided, multiple submitters, no conflicts (2 of 4 stars). 7 submissions from 7 submitters: Benign (3); Likely benign (3). 1 of the submissions does not count toward it. Last evaluated 2026-01-27.

Conditions:
TSC2-related disorder. Also called: TSC2-Related Disorders; TSC2-related condition.
Hereditary cancer-predisposing syndrome. Also called: Tumor predisposition; Neoplastic Syndromes, Hereditary; Hereditary Cancer Syndrome; Hereditary neoplastic syndrome. Identifiers: Orphanet 140162, MedGen C0027672, MeSH D009386, MONDO:0015356.
Tuberous sclerosis syndrome (TSC). Also called: Tuberous Sclerosis Complex; Tuberous sclerosis. Identifiers: Orphanet 805, MedGen C0041341, MONDO:0001734.
Tuberous sclerosis 2 (TSC2). Identifiers: Orphanet 805, MedGen C1860707, MONDO:0013199, OMIM 613254.

Allele frequency attached by ClinVar (database versions not stated): gnomAD exomes below 0.00001 and 0.00003; gnomAD 0.00001; TOPMed 0.00003.
gnomAD v4.1: 40 of 1,613,164 alleles (0.0025%); highest among the groups gnomAD compares: Non-Finnish European, 0.0033%; no homozygotes.

Submissions (7):

Labcorp Genetics (formerly Invitae), Labcorp
Classification: Benign for Tuberous sclerosis 2. Last evaluated: 2026-01-27. Review status: criteria provided, single submitter. Criteria: Invitae Variant Classification Sherloc (09022015). Collection method: clinical testing. Allele origin: germline.

Color Diagnostics, LLC DBA Color Health
Classification: Likely benign for Tuberous sclerosis syndrome. Last evaluated: 2025-09-22. Review status: criteria provided, single submitter. Criteria: ACMG Guidelines, 2015. Collection method: clinical testing. Allele origin: germline.

Myriad Genetics, Inc.
Classification: Likely benign for Tuberous sclerosis 2. Last evaluated: 2025-06-04. Review status: criteria provided, single submitter. Criteria: Myriad Autosomal Dominant, Autosomal Recessive and X-Linked Classification Criteria (2023). Collection method: clinical testing. Allele origin: unknown.
Comment: This variant is considered likely benign. This variant is intronic and is not expected to impact mRNA splicing.

Genome-Nilou Lab
Classification: Benign for Tuberous sclerosis 2. Last evaluated: 2021-11-07. Review status: criteria provided, single submitter. Criteria: ACMG Guidelines, 2015. Collection method: clinical testing. Allele origin: germline. Affected: no.

Sema4
Classification: Likely benign for Hereditary cancer-predisposing syndrome. Last evaluated: 2021-05-11. Review status: criteria provided, single submitter. Criteria: Sema4 Curation Guidelines. Collection method: curation. Allele origin: germline.

Ambry Genetics
Classification: Benign for Hereditary cancer-predisposing syndrome. Last evaluated: 2019-04-08. Review status: criteria provided, single submitter. Criteria: Ambry Variant Classification Scheme 2023. Collection method: clinical testing. Allele origin: germline.

PreventionGenetics, part of Exact Sciences
Classification: Likely benign for TSC2-related condition. Last evaluated: 2023-10-11. Review status: no assertion criteria provided. Collection method: clinical testing. Allele origin: germline. Not counted in ClinVar's aggregate classification.
Comment: This variant is classified as likely benign based on ACMG/AMP sequence variant interpretation guidelines (Richards et al. 2015 PMID: 25741868, with internal and published modifications).

NM_000548.5(TSC2):c.4569+4G>A

Gene: TSC2 (TSC complex subunit 2; plus strand). Cytogenetic location: 16p13.3.
Variant type: single nucleotide variant.
Coding change: c.4569+4G>A on transcript NM_000548.5 (MANE Select); 4 bases into the intron after coding-DNA position 4569, G replaced by A.
Molecular consequence: intron variant.
Genome position (GRCh38, 1-based): chr16:2,085,030, G>A. VCF-style: chr16-2085030-G-A. GRCh37 (hg19) VCF-style: chr16-2135031-G-A.
Other names: c.4500+4G>A (NM_001114382.3); c.4440+4G>A (NM_021055.3, NM_001370405.1); c.4371+4G>A (NM_001363528.2); c.4437+4G>A (NM_001370404.1); c.4368+4G>A (NM_001077183.3); c.4260+4G>A (NM_001318827.2); c.3837+4G>A (NM_001318831.2); c.4224+4G>A (NM_001318829.2); and 2 more.
Identifiers: ClinVar variation 406090 (VCV000406090.22), dbSNP rs1051944517, ClinGen allele CA16614781.